The following is an entry in ClinVar:

NM_000038.6(APC):c.2765T>G (p.Leu922Arg)

Gene: APC (APC regulator of Wnt signaling pathway; plus strand). Cytogenetic location: 5q22.2.
Variant type: single nucleotide variant.
Coding change: c.2765T>G on transcript NM_000038.6 (MANE Select); coding-DNA position 2765, T replaced by G.
Protein change: p.Leu922Arg; replaces leucine 922 with arginine.
Molecular consequence: missense variant.
Genome position (GRCh38, 1-based): chr5:112,838,359, T>G. VCF-style: chr5-112838359-T-G. GRCh37 (hg19) VCF-style: chr5-112174056-T-G.
Other names: c.2765T>G, p.Leu922Arg (NM_001127510.3, NM_001354895.2); c.2711T>G, p.Leu904Arg (NM_001127511.3); c.2819T>G, p.Leu940Arg (NM_001354896.2); c.2795T>G, p.Leu932Arg (NM_001354897.2); c.2690T>G, p.Leu897Arg (NM_001354898.2); c.2681T>G, p.Leu894Arg (NM_001354899.2); c.2642T>G, p.Leu881Arg (NM_001354900.2); c.2588T>G, p.Leu863Arg (NM_001354901.2); and 5 more; short protein forms L904R, L922R, L894R, L639R, L897R, L932R, L821R, L863R.
Identifiers: ClinVar variation 236579 (VCV000236579.20), dbSNP rs878853431, ClinGen allele CA10582300.

ClinVar aggregate classification (germline): Uncertain significance. Review status: criteria provided, multiple submitters, no conflicts (2 of 4 stars). 3 submissions from 3 submitters: Uncertain significance (3). Last evaluated 2025-06-21.

Conditions:
Hereditary cancer-predisposing syndrome. Also called: Hereditary neoplastic syndrome; Hereditary Cancer Syndrome; Neoplastic Syndromes, Hereditary; Tumor predisposition. Identifiers: Orphanet 140162, MedGen C0027672, MeSH D009386, MONDO:0015356.
Familial adenomatous polyposis 1 (FAP1). Also called: FAMILIAL ADENOMATOUS POLYPOSIS 1, ATTENUATED; POLYPOSIS, ADENOMATOUS INTESTINAL. Identifiers: MedGen C2713442, MONDO:0021056, OMIM 175100. Disease mechanism: loss of function.

Allele frequency attached by ClinVar (database versions not stated): gnomAD exomes 0.00001.
gnomAD v4.1: 11 of 1,614,194 alleles (0.00068%); highest among the groups gnomAD compares: Non-Finnish European, 0.00093%; no homozygotes.

Submissions (3):

Labcorp Genetics (formerly Invitae), Labcorp
Classification: Uncertain significance for Familial adenomatous polyposis 1. Last evaluated: 2025-06-21. Review status: criteria provided, single submitter. Criteria: Invitae Variant Classification Sherloc (09022015). Collection method: clinical testing. Allele origin: germline.
Comment: This sequence change replaces leucine, which is neutral and non-polar, with arginine, which is basic and polar, at codon 922 of the APC protein (p.Leu922Arg). This variant is not present in population databases (gnomAD no frequency). This missense change has been observed in individual(s) with adenomatous colon polyps and colon cancer (internal data). ClinVar contains an entry for this variant (Variation ID: 236579). Invitae Evidence Modeling of protein sequence and biophysical properties (such as structural, functional, and spatial information, amino acid conservation, physicochemical variation, residue mobility, and thermodynamic stability) indicates that this missense variant is not expected to disrupt APC protein function with a negative predictive value of 95%. In summary, the available evidence is currently insufficient to determine the role of this variant in disease. Therefore, it has been classified as a Variant of Uncertain Significance.

Ambry Genetics
Classification: Uncertain significance for Hereditary cancer-predisposing syndrome. Last evaluated: 2024-05-06. Review status: criteria provided, single submitter. Criteria: Ambry Variant Classification Scheme 2023. Collection method: clinical testing. Allele origin: germline.
Comment: The p.L922R variant (also known as c.2765T>G), located in coding exon 15 of the APC gene, results from a T to G substitution at nucleotide position 2765. The leucine at codon 922 is replaced by arginine, an amino acid with dissimilar properties. This amino acid position is not well conserved in available vertebrate species. In addition, in silico predictors for this gene do not accurately predict pathogenicity. Missense alterations in APC are not a common cause of disease (Spier I et al. Genet Med. 2024 Feb;26(2):100992). Based on the available evidence, the clinical significance of this variant remains unclear.

Color Diagnostics, LLC DBA Color Health
Classification: Uncertain significance for Hereditary cancer-predisposing syndrome. Last evaluated: 2023-12-04. Review status: criteria provided, single submitter. Criteria: ACMG Guidelines, 2015. Collection method: clinical testing. Allele origin: germline.
Comment: This missense variant replaces leucine with arginine at codon 922 of the APC protein. Computational prediction suggests that this variant may not impact protein structure and function (internally defined REVEL score threshold <= 0.5, PMID: 27666373). To our knowledge, functional studies have not been reported for this variant. This variant has not been reported in individuals affected with APC-related disorders in the literature. This variant has not been identified in the general population by the Genome Aggregation Database (gnomAD). The available evidence is insufficient to determine the role of this variant in disease conclusively. Therefore, this variant is classified as a Variant of Uncertain Significance.